The following is an entry in ClinVar:

ClinVar aggregate classification (germline): Conflicting classifications of pathogenicity. Review status: criteria provided, conflicting classifications (1 of 4 stars). 3 submissions from 3 submitters: Uncertain significance (2); Likely benign (1). Last evaluated 2024-10-24.

Conditions:
Hypogonadotropic hypogonadism 5 with or without anosmia (KAL5). Also called: HYPOGONADOTROPIC HYPOGONADISM 5 WITH ANOSMIA; CHD7-Related GnRH Deficiency (Kallmann Syndrome 5); HYPOGONADOTROPHIC HYPOGONADISM 5 WITHOUT ANOSMIA. Identifiers: Orphanet 478, MedGen C3552553, MONDO:0012880, OMIM 612370. Disease mechanism: loss of function.
CHARGE syndrome (CHARGE). Also called: Hittner Hirsch Kreh syndrome; CHARGE ASSOCIATION--COLOBOMA, HEART ANOMALY, CHOANAL ATRESIA, RETARDATION, GENITAL AND EAR ANOMALIES; Coloboma, heart anomaly, choanal atresia, retardation, genital and ear anomalies; CHARGE association; Hall-Hittner syndrome. Identifiers: Orphanet 138, MedGen C0265354, MONDO:0008965.

Allele frequency attached by ClinVar (database versions not stated): TOPMed below 0.00001; gnomAD 0.00001; gnomAD exomes 0.00002 and 0.00003; ExAC 0.00004.
gnomAD v4.1: 24 of 1,613,858 alleles (0.0015%); highest among the groups gnomAD compares: South Asian, 0.0033%; no homozygotes.

Submissions (3):

Labcorp Genetics (formerly Invitae), Labcorp
Classification: Likely benign for CHARGE syndrome. Last evaluated: 2024-10-24. Review status: criteria provided, single submitter. Criteria: Invitae Variant Classification Sherloc (09022015). Collection method: clinical testing. Allele origin: germline.

Fulgent Genetics
Classification: Uncertain significance for CHD7-related CHARGE syndrome; Hypogonadotropic hypogonadism 5 with or without anosmia. Last evaluated: 2024-03-30. Review status: criteria provided, single submitter. Criteria: ACMG Guidelines, 2015. Collection method: clinical testing. Allele origin: germline.

GeneDx
Classification: Uncertain significance. Last evaluated: 2021-10-18. Review status: criteria provided, single submitter. Criteria: GeneDx Variant Classification Process June 2021. Collection method: clinical testing. Allele origin: germline. Affected: yes.
Comment: Has not been previously published as pathogenic or benign to our knowledge; In silico analysis supports that this missense variant does not alter protein structure/function

NM_017780.4(CHD7):c.6284G>A (p.Arg2095Gln)

Gene: CHD7 (chromodomain helicase DNA binding protein 7; plus strand). Cytogenetic location: 8q12.2.
Variant type: single nucleotide variant.
Coding change: c.6284G>A on transcript NM_017780.4 (MANE Select); coding-DNA position 6284, G replaced by A.
Protein change: p.Arg2095Gln; replaces arginine 2095 with glutamine.
Molecular consequence: missense variant. On other transcripts: intron variant (1).
Genome position (GRCh38, 1-based): chr8:60,853,009, G>A. VCF-style: chr8-60853009-G-A. GRCh37 (hg19) VCF-style: chr8-61765568-G-A.
Other names: c.1717-9220G>A (NM_001316690.1); short protein forms R2095Q.
Identifiers: ClinVar variation 1302957 (VCV001302957.6), dbSNP rs773114816, ClinGen allele CA4760565.
Genomic context (GRCh38, chr8:60,853,009, plus strand): 5'-GAGAGAGGCTTAAGCTCTGCCAGCCAAGCTTGGATCTGCCAGAGTGGTGGGAGTGTGGAC[G>A]GCATGACCGAGACTTGCTGGTTGGTGCTGCTAAACACGGGGTCAGTCGGACGGATTATCA-3'
Protein context (NP_060250.2, residues 2085-2105): LDLPEWWECG[Arg2095Gln]HDRDLLVGAA